The following is an entry in ClinVar:

ClinVar aggregate classification (germline): Uncertain significance. Review status: criteria provided, multiple submitters, no conflicts (2 of 4 stars). 2 submissions from 2 submitters: Uncertain significance (2). Last evaluated 2025-03-26.

Allele frequency attached by ClinVar (database versions not stated): 1000 Genomes Project 0.00040; 1000 Genomes Project 30x 0.00047; ExAC 0.00008; ESP Exome Variant Server 0.00008; TOPMed 0.00008; gnomAD 0.00009; gnomAD exomes 0.00012.
gnomAD v4.1: 190 of 1,612,044 alleles (0.012%); highest among the groups gnomAD compares: Non-Finnish European, 0.014%; no homozygotes.

Submissions (2):

Ambry Genetics
Classification: Uncertain significance. Last evaluated: 2025-03-26. Review status: criteria provided, single submitter. Criteria: Ambry Variant Classification Scheme 2023. Collection method: clinical testing. Allele origin: germline.

Labcorp Genetics (formerly Invitae), Labcorp
Classification: Uncertain significance. Last evaluated: 2025-03-24. Review status: criteria provided, single submitter. Criteria: Invitae Variant Classification Sherloc (09022015). Collection method: clinical testing. Allele origin: germline.
Comment: This sequence change replaces glycine, which is neutral and non-polar, with arginine, which is basic and polar, at codon 5 of the COA3 protein (p.Gly5Arg). This variant is present in population databases (rs199833326, gnomAD 0.01%). This variant has not been reported in the literature in individuals affected with COA3-related conditions. ClinVar contains an entry for this variant (Variation ID: 2373574). An algorithm developed to predict the effect of missense changes on protein structure and function (PolyPhen-2) suggests that this variant is likely to be disruptive. In summary, the available evidence is currently insufficient to determine the role of this variant in disease. Therefore, it has been classified as a Variant of Uncertain Significance.

NM_001040431.3(COA3):c.13G>A (p.Gly5Arg)

Genes: COA3 (cytochrome c oxidase assembly factor 3; minus strand), LOC130060928 (ATAC-STARR-seq lymphoblastoid active region 12225; plus strand). Cytogenetic location: 17q21.2.
Variant type: single nucleotide variant.
Coding change: c.13G>A on transcript NM_001040431.3 (MANE Select); coding-DNA position 13, G replaced by A.
Protein change: p.Gly5Arg; replaces glycine 5 with arginine.
Molecular consequence: missense variant.
Genome position (GRCh38, 1-based): chr17:42,798,669, C>T on the plus strand (G>A on the coding strand, the complement: COA3 is on the minus strand). VCF-style: chr17-42798669-C-T. GRCh37 (hg19) VCF-style: chr17-40950687-C-T.
Other names: short protein forms G5R.
Identifiers: ClinVar variation 2373574 (VCV002373574.4), dbSNP rs199833326, ClinGen allele CA8584812.